The following is an entry in ClinVar:

ClinVar aggregate classification (germline): Uncertain significance (1 of 4 stars; one submission).

Allele frequency attached by ClinVar (database versions not stated): TOPMed below 0.00001; gnomAD 0.00001.

Submission:

Labcorp Genetics (formerly Invitae), Labcorp
Classification: Uncertain significance. Last evaluated: 2022-10-07. Review status: criteria provided, single submitter. Criteria: Invitae Variant Classification Sherloc (09022015). Collection method: clinical testing. Allele origin: germline.
Comment: This sequence change replaces methionine, which is neutral and non-polar, with threonine, which is neutral and polar, at codon 1306 of the ARID1B protein (p.Met1306Thr). This variant is not present in population databases (gnomAD no frequency). This variant has not been reported in the literature in individuals affected with ARID1B-related conditions. Advanced modeling of protein sequence and biophysical properties (such as structural, functional, and spatial information, amino acid conservation, physicochemical variation, residue mobility, and thermodynamic stability) has been performed at Invitae for this missense variant, however the output from this modeling did not meet the statistical confidence thresholds required to predict the impact of this variant on ARID1B protein function. In summary, the available evidence is currently insufficient to determine the role of this variant in disease. Therefore, it has been classified as a Variant of Uncertain Significance.

NM_001374828.1(ARID1B):c.4286T>C (p.Met1429Thr)

Gene: ARID1B (AT-rich interaction domain 1B; plus strand). Cytogenetic location: 6q25.3.
Variant type: single nucleotide variant.
Coding change: c.4286T>C on transcript NM_001374828.1 (MANE Select); coding-DNA position 4286, T replaced by C.
Protein change: p.Met1429Thr; replaces methionine 1429 with threonine.
Molecular consequence: missense variant.
Genome position (GRCh38, 1-based): chr6:157,196,219, T>C. VCF-style: chr6-157196219-T-C. GRCh37 (hg19) VCF-style: chr6-157517353-T-C.
Other names: c.4037T>C, p.Met1346Thr (NM_001346813.1); c.1787T>C, p.Met596Thr (NM_001363725.2); c.4166T>C, p.Met1389Thr (NM_001371656.1, NM_001374820.1); c.4127T>C, p.Met1376Thr (NM_017519.3); c.3917T>C, p.Met1306Thr (NM_020732.3); c.3704T>C, p.Met1235Thr (NM_175863.2); short protein forms M1235T, M1306T, M1346T, M1376T, M1389T, M1429T, M596T.
Identifiers: ClinVar variation 1721188 (VCV001721188.5), dbSNP rs1253490279, ClinGen allele CA366238227.